The following is an entry in ClinVar:

NM_001927.4(DES):c.-9G>A

Gene: DES (desmin; plus strand). Cytogenetic location: 2q35.
Variant type: single nucleotide variant.
Coding change: c.-9G>A on transcript NM_001927.4 (MANE Select); 9 bases upstream of the start codon, G replaced by A.
Molecular consequence: 5 prime UTR variant.
Genome position (GRCh38, 1-based): chr2:219,418,454, G>A. VCF-style: chr2-219418454-G-A. GRCh37 (hg19) VCF-style: chr2-220283176-G-A.
Other names: c.-9G>A (NM_001382710.1, NM_001382711.1, NM_001382712.1 and 3 more transcripts).
Identifiers: ClinVar variation 1343552 (VCV001343552.1), dbSNP rs1359188472, ClinGen allele CA539628737.

ClinVar aggregate classification (germline): Uncertain significance (1 of 4 stars; one submission).

Allele frequency attached by ClinVar (database versions not stated): gnomAD 0.00001 and 0.00002.
gnomAD v4.1: 6 of 1,577,904 alleles (0.00038%); highest among the groups gnomAD compares: Admixed American, 0.0017%; no homozygotes.

Submission:

Women's Health and Genetics/Laboratory Corporation of America, LabCorp
Classification: Uncertain significance. Last evaluated: 2022-02-11. Review status: criteria provided, single submitter. Criteria: LabCorp Variant Classification Summary - May 2015. Collection method: clinical testing. Allele origin: germline.
Comment: Variant summary: DES c.-9G>A is located in the untranslated mRNA region upstream of the initiation codon. 4/4 computational tools predict no significant impact on normal splicing. However, these predictions have yet to be confirmed by functional studies. The variant allele was found at a frequency of 4.9e-06 in 202310 control chromosomes. The available data on variant occurrences in the general population are insufficient to allow any conclusion about variant significance. To our knowledge, no occurrence of c.-9G>A in individuals affected with Cardiomyopathy and no experimental evidence demonstrating its impact on protein function have been reported. No clinical diagnostic laboratories have submitted clinical-significance assessments for this variant to ClinVar after 2014. Based on the evidence outlined above, the variant was classified as uncertain significance.